The following is an entry in ClinVar:

NM_000222.3(KIT):c.1227_1228delinsAT (p.Asn410Tyr)

Gene: KIT (KIT proto-oncogene, receptor tyrosine kinase; plus strand). Cytogenetic location: 4q12.
Variant type: Indel.
Coding change: c.1227_1228delinsAT on transcript NM_000222.3 (MANE Select); coding-DNA positions 1227 to 1228, GA replaced by AT.
Protein change: p.Asn410Tyr; replaces asparagine 410 with tyrosine.
Molecular consequence: missense variant.
Genome position (GRCh38, 1-based): chr4:54,709,535-54,709,536, GA replaced by AT. VCF-style: chr4-54709535-GA-AT. GRCh37 (hg19) VCF-style: chr4-55575701-GA-AT.
Other names: c.1227_1228delGAinsAT (NM_000222.2); c.1227_1228delinsAT, p.Asn410Tyr (NM_001093772.2, NM_001385285.1, NM_001385286.1); c.1230_1231delinsAT, p.Asn411Tyr (NM_001385284.1, NM_001385288.1, NM_001385290.1 and 1 more transcripts); short protein forms N410Y, N411Y.
Identifiers: ClinVar variation 409735 (VCV000409735.11), dbSNP rs1060502548, ClinGen allele CA16611665.

ClinVar aggregate classification (germline): Uncertain significance. Review status: criteria provided, multiple submitters, no conflicts (2 of 4 stars). 2 submissions from 2 submitters: Uncertain significance (2). Last evaluated 2025-11-25.

Conditions:
Hereditary cancer-predisposing syndrome. Also called: Neoplastic Syndromes, Hereditary; Hereditary Cancer Syndrome; Hereditary neoplastic syndrome; Tumor predisposition. Identifiers: Orphanet 140162, MedGen C0027672, MeSH D009386, MONDO:0015356.
Gastrointestinal stromal tumor. Also called: Gastrointestinal stroma tumor; Gastrointestinal stromal tumor, somatic. Identifiers: Orphanet 44890, MedGen C0238198, MeSH D046152, MONDO:0011719, OMIM 606764, HP:0100723.

Submissions (2):

Labcorp Genetics (formerly Invitae), Labcorp
Classification: Uncertain significance for Gastrointestinal stromal tumor. Last evaluated: 2025-11-25. Review status: criteria provided, single submitter. Criteria: Invitae Variant Classification Sherloc (09022015). Collection method: clinical testing. Allele origin: germline.
Comment: This sequence change replaces asparagine, which is neutral and polar, with tyrosine, which is neutral and polar, at codon 410 of the KIT protein (p.Asn410Tyr). Information on the frequency of this variant in the gnomAD database is not available, as this variant may be reported differently in the database. This variant has not been reported in the literature in individuals affected with KIT-related conditions. ClinVar contains an entry for this variant (Variation ID: 409735). Experimental studies and prediction algorithms are not available or were not evaluated, and the functional significance of this variant is currently unknown. In summary, the available evidence is currently insufficient to determine the role of this variant in disease. Therefore, it has been classified as a Variant of Uncertain Significance.

Ambry Genetics
Classification: Uncertain significance for Hereditary cancer-predisposing syndrome. Last evaluated: 2025-03-12. Review status: criteria provided, single submitter. Criteria: Ambry Variant Classification Scheme 2023. Collection method: clinical testing. Allele origin: germline.
Comment: The c.1227_1228delGAinsAT variant (also known as p.N410Y), located in coding exon 7 of the KIT gene, results from an in-frame deletion of GA and insertion of AT at nucleotide positions 1227 to 1228. This results in the substitution of the asparagine residue for a tyrosine residue at codon 410, an amino acid with dissimilar properties. This amino acid position is well conserved in available vertebrate species. In addition, this alteration is predicted to be tolerated by in silico analysis. Based on the available evidence, the clinical significance of this variant remains unclear.